The following is an entry in ClinVar:

ClinVar aggregate classification (germline): Uncertain significance (1 of 4 stars; one submission).

Conditions:
Hereditary cancer-predisposing syndrome. Also called: Neoplastic Syndromes, Hereditary; Tumor predisposition; Hereditary Cancer Syndrome; Hereditary neoplastic syndrome. Identifiers: Orphanet 140162, MedGen C0027672, MeSH D009386, MONDO:0015356.

Submission:

Ambry Genetics
Classification: Uncertain significance for Hereditary cancer-predisposing syndrome. Last evaluated: 2022-09-19. Review status: criteria provided, single submitter. Criteria: Ambry Variant Classification Scheme 2023. Collection method: clinical testing. Allele origin: germline.
Comment: The p.S574F variant (also known as c.1721C>T), located in coding exon 5 of the PALB2 gene, results from a C to T substitution at nucleotide position 1721. The serine at codon 574 is replaced by phenylalanine, an amino acid with highly dissimilar properties. This amino acid position is not well conserved in available vertebrate species. In addition, this alteration is predicted to be tolerated by in silico analysis. Since supporting evidence is limited at this time, the clinical significance of this alteration remains unclear.

NM_024675.4(PALB2):c.1721C>T (p.Ser574Phe)

Gene: PALB2 (partner and localizer of BRCA2; minus strand). Cytogenetic location: 16p12.2.
Variant type: single nucleotide variant.
Coding change: c.1721C>T on transcript NM_024675.4 (MANE Select); coding-DNA position 1721, C replaced by T.
Protein change: p.Ser574Phe; replaces serine 574 with phenylalanine.
Molecular consequence: missense variant.
Genome position (GRCh38, 1-based): chr16:23,630,433, G>A on the plus strand (C>T on the coding strand, the complement: PALB2 is on the minus strand). VCF-style: chr16-23630433-G-A. GRCh37 (hg19) VCF-style: chr16-23641754-G-A.
Other names: short protein forms S574F.
Identifiers: ClinVar variation 819910 (VCV000819910.4), dbSNP rs1597091399, ClinGen allele CA395128373.